The following is an entry in ClinVar:

ClinVar aggregate classification (germline): Uncertain significance (1 of 4 stars; one submission).

Conditions:
LRP5-related disorder. Also called: LRP5-related condition.

gnomAD v4.1: 8 of 1,614,180 alleles (0.0005%); highest among the groups gnomAD compares: Admixed American, 0.0017%; no homozygotes.

Submission:

PreventionGenetics, part of Exact Sciences
Classification: Uncertain significance for LRP5-related condition. Last evaluated: 2026-02-02. Review status: criteria provided, single submitter. Criteria: ACMG Guidelines, 2015. Collection method: clinical testing. Allele origin: germline.
Comment: The LRP5 c.1741A>G variant is predicted to result in the amino acid substitution p.Ile581Val. To our knowledge, this variant has not been reported in the literature. This variant is reported in 0.0029% of alleles in individuals of Latino descent in gnomAD. At this time, the clinical significance of this variant is uncertain due to the absence of conclusive functional and genetic evidence.

NM_002335.4(LRP5):c.1741A>G (p.Ile581Val)

Gene: LRP5 (LDL receptor related protein 5; plus strand). Cytogenetic location: 11q13.2.
Variant type: single nucleotide variant.
Coding change: c.1741A>G on transcript NM_002335.4 (MANE Select); coding-DNA position 1741, A replaced by G.
Protein change: p.Ile581Val; replaces isoleucine 581 with valine.
Molecular consequence: missense variant. On other transcripts: 5 prime UTR variant (1).
Genome position (GRCh38, 1-based): chr11:68,403,639, A>G. VCF-style: chr11-68403639-A-G. GRCh37 (hg19) VCF-style: chr11-68171107-A-G.
Other names: c.-197A>G (NM_001291902.2); short protein forms I581V.
Identifiers: ClinVar variation 4993507 (VCV004993507.1).